The following is an entry in ClinVar:

ClinVar aggregate classification (germline): Pathogenic. Review status: criteria provided, multiple submitters, no conflicts (2 of 4 stars). 2 submissions from 2 submitters: Pathogenic (2). Last evaluated 2025-05-02.

Conditions:
ITGB4-related disorder. Also called: ITGB4-related condition.

Allele frequency attached by ClinVar (database versions not stated): ExAC 0.00001; gnomAD exomes 0.00002; gnomAD 0.00001; TOPMed 0.00001.

Submissions (2):

PreventionGenetics, part of Exact Sciences
Classification: Pathogenic for ITGB4-related condition. Last evaluated: 2025-05-02. Review status: criteria provided, single submitter. Criteria: ACMG Guidelines, 2015. Collection method: clinical testing. Allele origin: germline.
Comment: The ITGB4 c.3903dupC variant is predicted to result in a frameshift and premature protein termination (p.Asn1302Glnfs*8). This variant was reported along with a second ITGB4 variant in an individual with epidermolysis bullosa without pyloric atresia (Dang et al. 2008. PubMed ID: 18779879). This variant is reported in 0.0027% of alleles in individuals of European (Non-Finnish) descent in gnomAD. Frameshift variants in ITGB4 are expected to be pathogenic. This variant is interpreted as pathogenic.

Labcorp Genetics (formerly Invitae), Labcorp
Classification: Pathogenic. Last evaluated: 2024-02-25. Review status: criteria provided, single submitter. Criteria: Invitae Variant Classification Sherloc (09022015). Collection method: clinical testing. Allele origin: germline.
Comment: This sequence change creates a premature translational stop signal (p.Asn1302Glnfs*8) in the ITGB4 gene. It is expected to result in an absent or disrupted protein product. Loss-of-function variants in ITGB4 are known to be pathogenic (PMID: 11328943, 16473856). This variant is present in population databases (rs772344759, gnomAD 0.003%). This premature translational stop signal has been observed in individual(s) with autosomal recessive epidermolysis bullosa (PMID: 18779879). For these reasons, this variant has been classified as Pathogenic.

Literature cited by the submitters: PubMed 11328943 (cited by Labcorp Genetics (formerly Invitae), Labcorp); PubMed 16473856 (cited by Labcorp Genetics (formerly Invitae), Labcorp); PubMed 18779879 (cited by Labcorp Genetics (formerly Invitae), Labcorp).

NM_000213.5(ITGB4):c.3903dup (p.Asn1302fs)

Genes: GALK1 (galactokinase 1; minus strand), ITGB4 (integrin subunit beta 4; plus strand). Cytogenetic location: 17q25.1.
Variant type: Duplication.
Coding change: c.3903dup on transcript NM_000213.5 (MANE Select); coding-DNA position 3903, one base duplicated (C; older notation c.3903dupC).
Protein change: p.Asn1302fs; shifts the reading frame from asparagine 1302.
Molecular consequence: frameshift variant. On other transcripts: intron variant (1).
Genome position (GRCh38, 1-based): chr17:75,752,283, C duplicated. VCF-style (leftmost placement, unchanged base first): chr17-75752282-G-GC. GRCh37 (hg19) VCF-style: chr17-73748363-G-GC.
Other names: c.3903dup, p.Asn1302fs (NM_001005619.2, NM_001005731.3, NM_001321123.2 and 1 more transcripts); c.*23-546dup (NM_001381985.1); short protein forms N1302fs.
Identifiers: ClinVar variation 2736650 (VCV002736650.4), dbSNP rs772344759, ClinGen allele CA8769973.